The following is an entry in ClinVar:

NM_018026.4(PACS1):c.1370C>T (p.Thr457Ile)

Gene: PACS1 (phosphofurin acidic cluster sorting protein 1; plus strand). Cytogenetic location: 11q13.2.
Variant type: single nucleotide variant.
Coding change: c.1370C>T on transcript NM_018026.4 (MANE Select); coding-DNA position 1370, C replaced by T.
Protein change: p.Thr457Ile; replaces threonine 457 with isoleucine.
Molecular consequence: missense variant.
Genome position (GRCh38, 1-based): chr11:66,227,580, C>T. VCF-style: chr11-66227580-C-T. GRCh37 (hg19) VCF-style: chr11-65995051-C-T.
Other names: short protein forms T457I.
Identifiers: ClinVar variation 2759563 (VCV002759563.3), dbSNP rs2495573875, ClinGen allele CA381364588.

ClinVar aggregate classification (germline): Uncertain significance (1 of 4 stars; one submission).

Conditions:
Schuurs-Hoeijmakers syndrome. Also called: PACS1-Related Neurodevelopmental Disorder. Identifiers: Orphanet 329224, MedGen C3554343, MONDO:0014006, OMIM 615009.

Allele frequency attached by ClinVar (database versions not stated): gnomAD exomes below 0.00001.
gnomAD v4.1: 1 of 1,602,886 alleles (0.000062%); highest among the groups gnomAD compares: Non-Finnish European, 0.000085%; no homozygotes.

Submission:

Labcorp Genetics (formerly Invitae), Labcorp
Classification: Uncertain significance for Schuurs-Hoeijmakers syndrome. Last evaluated: 2023-11-04. Review status: criteria provided, single submitter. Criteria: Invitae Variant Classification Sherloc (09022015). Collection method: clinical testing. Allele origin: germline.
Comment: This sequence change replaces threonine, which is neutral and polar, with isoleucine, which is neutral and non-polar, at codon 457 of the PACS1 protein (p.Thr457Ile). This variant is not present in population databases (gnomAD no frequency). This variant has not been reported in the literature in individuals affected with PACS1-related conditions. Advanced modeling of protein sequence and biophysical properties (such as structural, functional, and spatial information, amino acid conservation, physicochemical variation, residue mobility, and thermodynamic stability) performed at Invitae indicates that this missense variant is not expected to disrupt PACS1 protein function with a negative predictive value of 80%. In summary, the available evidence is currently insufficient to determine the role of this variant in disease. Therefore, it has been classified as a Variant of Uncertain Significance.